The following is an entry in ClinVar:

NM_000533.5(PLP1):c.142_152del (p.Glu48fs)

Genes: PLP1 (proteolipid protein 1; plus strand), RAB9B (RAB9B, member RAS oncogene family; minus strand). Cytogenetic location: Xq22.2.
Variant type: Deletion.
Coding change: c.142_152del on transcript NM_000533.5 (MANE Select); coding-DNA positions 142 to 152, 11 bases deleted (GAGACCTATTT).
Protein change: p.Glu48fs; shifts the reading frame from glutamic acid 48.
Molecular consequence: frameshift variant. On other transcripts: intron variant (1).
Genome position (GRCh38, 1-based): chrX:103,785,719-103,785,729, GAGACCTATTT deleted; deleting any 11 consecutive bases within chrX:103,785,717-103,785,729 gives the same sequence; the c. name uses the placement nearest the transcript's 3' end. VCF-style (leftmost placement, unchanged base first): chrX-103785716-ATTGAGACCTAT-A. GRCh37 (hg19) VCF-style: chrX-103040645-ATTGAGACCTAT-A.
Other names: c.142_152del, p.Glu48fs (NM_001128834.3, NM_199478.3); c.5-28_5-18del (NM_001305004.1); short protein forms E48fs.
Identifiers: ClinVar variation 1932099 (VCV001932099.5), dbSNP rs2522301730, ClinGen allele CA2580100113.

ClinVar aggregate classification (germline): Pathogenic (1 of 4 stars; one submission).

Conditions:
Hereditary spastic paraplegia 2 (SPG2). Also called: SPASTIC PARAPLEGIA 2, X-LINKED; Spastic Paraplegia 2 (SPG2). Identifiers: Orphanet 99015, MedGen C0751604, MONDO:0010733, OMIM 312920.

Submission:

Labcorp Genetics (formerly Invitae), Labcorp
Classification: Pathogenic for Hereditary spastic paraplegia 2. Last evaluated: 2022-02-28. Review status: criteria provided, single submitter. Criteria: Invitae Variant Classification Sherloc (09022015). Collection method: clinical testing. Allele origin: germline.
Comment: For these reasons, this variant has been classified as Pathogenic. This variant has not been reported in the literature in individuals affected with PLP1-related conditions. This variant is not present in population databases (gnomAD no frequency). This sequence change creates a premature translational stop signal (p.Glu48Leufs*8) in the PLP1 gene. It is expected to result in an absent or disrupted protein product. Loss-of-function variants in PLP1 are known to be pathogenic (PMID: 18470932).

Literature cited by the submitters: PubMed 18470932.